The following is an entry in ClinVar:

ClinVar aggregate classification (germline): Uncertain significance (1 of 4 stars; one submission).

Conditions:
RASopathy. Also called: Noonan spectrum disorder; rasopathies. Identifiers: Orphanet 536391, MedGen C5555857, MONDO:0021060.

Submission:

Labcorp Genetics (formerly Invitae), Labcorp
Classification: Uncertain significance for RASopathy. Last evaluated: 2024-12-30. Review status: criteria provided, single submitter. Criteria: Invitae Variant Classification Sherloc (09022015). Collection method: clinical testing. Allele origin: germline.
Comment: This sequence change replaces alanine, which is neutral and non-polar, with threonine, which is neutral and polar, at codon 540 of the SOS1 protein (p.Ala540Thr). This variant is not present in population databases (gnomAD no frequency). This variant has not been reported in the literature in individuals affected with SOS1-related conditions. Invitae Evidence Modeling of protein sequence and biophysical properties (such as structural, functional, and spatial information, amino acid conservation, physicochemical variation, residue mobility, and thermodynamic stability) has been performed for this missense variant. However, the output from this modeling did not meet the statistical confidence thresholds required to predict the impact of this variant on SOS1 protein function. In summary, the available evidence is currently insufficient to determine the role of this variant in disease. Therefore, it has been classified as a Variant of Uncertain Significance.

NM_005633.4(SOS1):c.1618G>A (p.Ala540Thr)

Gene: SOS1 (SOS Ras/Rac guanine nucleotide exchange factor 1; minus strand). Cytogenetic location: 2p22.1.
Variant type: single nucleotide variant.
Coding change: c.1618G>A on transcript NM_005633.4 (MANE Select); coding-DNA position 1618, G replaced by A.
Protein change: p.Ala540Thr; replaces alanine 540 with threonine.
Molecular consequence: missense variant.
Genome position (GRCh38, 1-based): chr2:39,022,810, C>T on the plus strand (G>A on the coding strand, the complement: SOS1 is on the minus strand). VCF-style: chr2-39022810-C-T. GRCh37 (hg19) VCF-style: chr2-39249951-C-T.
Other names: c.1597G>A, p.Ala533Thr (NM_001382394.1); c.1618G>A, p.Ala540Thr (NM_001382395.1); short protein forms A533T, A540T.
Identifiers: ClinVar variation 3720393 (VCV003720393.2).